The following is an entry in ClinVar:

ClinVar aggregate classification (germline): Uncertain significance (1 of 4 stars; one submission).

Submission:

Women's Health and Genetics/Laboratory Corporation of America, LabCorp
Classification: Uncertain significance. Last evaluated: 2022-10-10. Review status: criteria provided, single submitter. Criteria: LabCorp Variant Classification Summary - May 2015. Collection method: clinical testing. Allele origin: germline.
Comment: Variant summary: The variant identified by MLPA or other technology involves the deletion of exons 2-11 in the LAMC3 gene. A presumed nomenclature of c.(373+1_374-1)_(1939+1_1940-1)del has been designated for the purposes of this classification. Although exact breakpoints of this deletion are not known, it is expected to result in a large in-frame deletion in the LAMC3 gene. The variant was absent in 21188 control chromosomes (gnomAD, Structural Variants dataset). To our knowledge, no occurrence of c.(373+1_374-1)_(1939+1_1940-1)del in individuals affected with Occipital Pachygyria And Polymicrogyria and no experimental evidence demonstrating its impact on protein function have been reported. No clinical diagnostic laboratories have submitted clinical-significance assessments for this variant to ClinVar after 2014. Based on the evidence outlined above, the variant was classified as uncertain significance.

NC_000009.11:g.(133884975_133901671)_(133928353_133932315)del

Gene: LAMC3 (laminin subunit gamma 3; plus strand). Cytogenetic location: 9q34.12.
Variant type: Deletion.
Identifiers: ClinVar variation 1723274 (VCV001723274.1).